The following is an entry in ClinVar:

NM_002878.4(RAD51D):c.316G>T (p.Val106Leu)

Genes: RAD51D (RAD51 paralog D; minus strand), RAD51L3-RFFL (RAD51L3-RFFL readthrough; minus strand). Cytogenetic location: 17q12.
Variant type: single nucleotide variant.
Coding change: c.316G>T on transcript NM_002878.4 (MANE Select); coding-DNA position 316, G replaced by T.
Protein change: p.Val106Leu; replaces valine 106 with leucine.
Molecular consequence: missense variant. On other transcripts: non-coding transcript variant (2), intron variant (1).
Genome position (GRCh38, 1-based): chr17:35,107,395, C>A on the plus strand (G>T on the coding strand, the complement: RAD51D is on the minus strand). VCF-style: chr17-35107395-C-A. GRCh37 (hg19) VCF-style: chr17-33434414-C-A.
Other names: c.376G>T, p.Val126Leu (NM_001142571.2); c.145-914G>T (NM_133629.3); short protein forms V126L, V106L.
Identifiers: ClinVar variation 4149907 (VCV004149907.1).

ClinVar aggregate classification (germline): Uncertain significance (1 of 4 stars; one submission).

Conditions:
Hereditary cancer-predisposing syndrome. Also called: Hereditary neoplastic syndrome; Neoplastic Syndromes, Hereditary; Tumor predisposition; Hereditary Cancer Syndrome. Identifiers: Orphanet 140162, MedGen C0027672, MeSH D009386, MONDO:0015356.

Submission:

Ambry Genetics
Classification: Uncertain significance for Hereditary cancer-predisposing syndrome. Last evaluated: 2025-06-18. Review status: criteria provided, single submitter. Criteria: Ambry Variant Classification Scheme 2023. Collection method: clinical testing. Allele origin: germline.
Comment: The p.V106L variant (also known as c.316G>T), located in coding exon 4 of the RAD51D gene, results from a G to T substitution at nucleotide position 316. The valine at codon 106 is replaced by leucine, an amino acid with highly similar properties. This amino acid position is conserved. In addition, the in silico prediction for this alteration is inconclusive. Based on the available evidence, the clinical significance of this variant remains unclear.